The following is an entry in ClinVar:

ClinVar aggregate classification (germline): Uncertain significance (1 of 4 stars; one submission).

Conditions:
Fanconi anemia complementation group J. Also called: BRIP1-Related Fanconi Anemia. Identifiers: Orphanet 84, MedGen C1836860, MONDO:0012187, OMIM 609054.
Familial cancer of breast. Also called: BREAST CANCER, FAMILIAL; Hereditary breast cancer; hereditary breast carcinoma. Identifiers: Orphanet 227535, MedGen C0346153, MONDO:0016419, OMIM 114480. Disease mechanism: loss of function.

Submission:

Labcorp Genetics (formerly Invitae), Labcorp
Classification: Uncertain significance for Familial cancer of breast; Fanconi anemia complementation group J. Last evaluated: 2024-04-06. Review status: criteria provided, single submitter. Criteria: Invitae Variant Classification Sherloc (09022015). Collection method: clinical testing. Allele origin: germline.
Comment: This sequence change replaces glutamine, which is neutral and polar, with lysine, which is basic and polar, at codon 40 of the BRIP1 protein (p.Gln40Lys). This variant is not present in population databases (gnomAD no frequency). This variant has not been reported in the literature in individuals affected with BRIP1-related conditions. Advanced modeling of protein sequence and biophysical properties (such as structural, functional, and spatial information, amino acid conservation, physicochemical variation, residue mobility, and thermodynamic stability) performed at Invitae indicates that this missense variant is not expected to disrupt BRIP1 protein function with a negative predictive value of 80%. In summary, the available evidence is currently insufficient to determine the role of this variant in disease. Therefore, it has been classified as a Variant of Uncertain Significance.

NM_032043.3(BRIP1):c.118C>A (p.Gln40Lys)

Gene: BRIP1 (BRCA1 interacting DNA helicase 1; minus strand). Cytogenetic location: 17q23.2.
Variant type: single nucleotide variant.
Coding change: c.118C>A on transcript NM_032043.3 (MANE Select); coding-DNA position 118, C replaced by A.
Protein change: p.Gln40Lys; replaces glutamine 40 with lysine.
Molecular consequence: missense variant.
Genome position (GRCh38, 1-based): chr17:61,859,883, G>T on the plus strand (C>A on the coding strand, the complement: BRIP1 is on the minus strand). VCF-style: chr17-61859883-G-T. GRCh37 (hg19) VCF-style: chr17-59937244-G-T.
Other names: short protein forms Q40K.
Identifiers: ClinVar variation 3755718 (VCV003755718.2).